The following is an entry in ClinVar:

NM_052947.4(ALPK2):c.3413A>C (p.Gln1138Pro)

Gene: ALPK2 (alpha kinase 2; minus strand). Cytogenetic location: 18q21.31.
Variant type: single nucleotide variant.
Coding change: c.3413A>C on transcript NM_052947.4 (MANE Select); coding-DNA position 3413, A replaced by C.
Protein change: p.Gln1138Pro; replaces glutamine 1138 with proline.
Molecular consequence: missense variant.
Genome position (GRCh38, 1-based): chr18:58,536,774, T>G on the plus strand (A>C on the coding strand, the complement: ALPK2 is on the minus strand). VCF-style: chr18-58536774-T-G. GRCh37 (hg19) VCF-style: chr18-56204006-T-G.
Other names: short protein forms Q1138P.
Identifiers: ClinVar variation 1731189 (VCV001731189.2), dbSNP rs747160234, ClinGen allele CA8976910.

ClinVar aggregate classification (germline): Uncertain significance (1 of 4 stars; one submission).

Allele frequency attached by ClinVar (database versions not stated): gnomAD exomes below 0.00001; ExAC 0.00001; gnomAD 0.00001; TOPMed 0.00001.
gnomAD v4.1: 5 of 1,614,128 alleles (0.00031%); highest among the groups gnomAD compares: East Asian, 0.011%; no homozygotes.

Submission:

Ambry Genetics
Classification: Uncertain significance. Last evaluated: 2024-02-02. Review status: criteria provided, single submitter. Criteria: Ambry Variant Classification Scheme 2023. Collection method: clinical testing. Allele origin: germline.
Comment: The p.Q1138P variant (also known as c.3413A>C), located in coding exon 4 of the ALPK2 gene, results from an A to C substitution at nucleotide position 3413. The glutamine at codon 1138 is replaced by proline, an amino acid with similar properties. This amino acid position is conserved. In addition, this alteration is predicted to be tolerated by in silico analysis. Since supporting evidence is limited at this time, the clinical significance of this alteration remains unclear.